The following is an entry in ClinVar:

ClinVar aggregate classification (germline): Uncertain significance. Review status: criteria provided, multiple submitters, no conflicts (2 of 4 stars). 3 submissions from 3 submitters: Uncertain significance (3). Last evaluated 2026-04-09.

Allele frequency attached by ClinVar (database versions not stated): gnomAD exomes 0.00001; ExAC 0.00002; gnomAD 0.00002.
gnomAD v4.1: 11 of 1,613,968 alleles (0.00068%); highest among the groups gnomAD compares: Admixed American, 0.0033%; no homozygotes.

Submissions (3):

Women's Health and Genetics/Laboratory Corporation of America, LabCorp
Classification: Uncertain significance. Last evaluated: 2026-04-09. Review status: criteria provided, single submitter. Criteria: LabCorp Variant Classification Summary - May 2015. Collection method: clinical testing. Allele origin: germline.
Comment: Variant summary: SBF1 c.3053C>T (p.Pro1018Leu) results in a non-conservative amino acid change in the encoded protein sequence. Algorithms developed to predict the effect of missense changes on protein structure and function are either unavailable or do not agree on the potential impact of this missense change. The variant allele was found at a frequency of 1.2e-05 in 249488 control chromosomes. The available data on variant occurrences in the general population are insufficient to allow any conclusion about variant significance. To our knowledge, no occurrence of c.3053C>T in individuals affected with SBF1-related conditions and no experimental evidence demonstrating its impact on protein function have been reported. ClinVar contains an entry for this variant (Variation ID: 2472267). Based on the evidence outlined above, the variant was classified as uncertain significance.

Ambry Genetics
Classification: Uncertain significance. Last evaluated: 2025-02-28. Review status: criteria provided, single submitter. Criteria: Ambry Variant Classification Scheme 2023. Collection method: clinical testing. Allele origin: germline.

GeneDx
Classification: Uncertain significance. Last evaluated: 2024-12-04. Review status: criteria provided, single submitter. Criteria: GeneDx Variant Classification Process June 2021. Collection method: clinical testing. Allele origin: germline. Affected: yes.
Comment: Not observed at significant frequency in large population cohorts (gnomAD); In silico analysis supports that this missense variant has a deleterious effect on protein structure/function; Has not been previously published as pathogenic or benign to our knowledge

NM_002972.4(SBF1):c.3053C>T (p.Pro1018Leu)

Gene: SBF1 (SET binding factor 1; minus strand). Cytogenetic location: 22q13.33.
Variant type: single nucleotide variant.
Coding change: c.3053C>T on transcript NM_002972.4 (MANE Select); coding-DNA position 3053, C replaced by T.
Protein change: p.Pro1018Leu; replaces proline 1018 with leucine.
Molecular consequence: missense variant.
Genome position (GRCh38, 1-based): chr22:50,460,627, G>A on the plus strand (C>T on the coding strand, the complement: SBF1 is on the minus strand). VCF-style: chr22-50460627-G-A. GRCh37 (hg19) VCF-style: chr22-50899056-G-A.
Other names: c.3056C>T, p.Pro1019Leu (NM_001365819.1, NM_001410794.1); c.3053C>T, p.Pro1018Leu (NM_001410795.1, NM_197971.1); short protein forms P1019L, P1018L.
Identifiers: ClinVar variation 2472267 (VCV002472267.5), dbSNP rs778046961, ClinGen allele CA10316903.
Genomic context (GRCh38, chr22:50,460,627, plus strand): 5'-GGTGGCCGGCCAGGTGTGTGGGCAGAGCCCAAGGTGAACGCAAAGGTGGCCCTGATGTCC[G>A]GCGGGTACCGCAGCTTATGCAGCTGCTTACGGAAGAGCTCGGCGCTGTCAGACCCCACCT-3'
Protein context (NP_002963.2, residues 1008-1028): RKQLHKLRYP[Pro1018Leu]DIRATFAFTL